The following is an entry in ClinVar:

NM_012301.4(MAGI2):c.3313G>T (p.Asp1105Tyr)

Gene: MAGI2 (membrane associated guanylate kinase, WW and PDZ domain containing 2; minus strand). Cytogenetic location: 7q21.11.
Variant type: single nucleotide variant.
Coding change: c.3313G>T on transcript NM_012301.4 (MANE Select); coding-DNA position 3313, G replaced by T.
Protein change: p.Asp1105Tyr; replaces aspartic acid 1105 with tyrosine.
Molecular consequence: missense variant.
Genome position (GRCh38, 1-based): chr7:78,127,307, C>A on the plus strand (G>T on the coding strand, the complement: MAGI2 is on the minus strand). VCF-style: chr7-78127307-C-A. GRCh37 (hg19) VCF-style: chr7-77756624-C-A.
Other names: c.3271G>T, p.Asp1091Tyr (NM_001301128.2); short protein forms D1091Y, D1105Y.
Identifiers: ClinVar variation 2023279 (VCV002023279.4), dbSNP rs748899377, ClinGen allele CA367849003.

ClinVar aggregate classification (germline): Uncertain significance (1 of 4 stars; one submission).

Allele frequency attached by ClinVar (database versions not stated): gnomAD exomes below 0.00001.
gnomAD v4.1: 2 of 1,611,924 alleles (0.00012%); highest among the groups gnomAD compares: East Asian, 0.0022%; no homozygotes.

Submission:

Labcorp Genetics (formerly Invitae), Labcorp
Classification: Uncertain significance. Last evaluated: 2022-08-09. Review status: criteria provided, single submitter. Criteria: Invitae Variant Classification Sherloc (09022015). Collection method: clinical testing. Allele origin: germline.
Comment: This sequence change replaces aspartic acid, which is acidic and polar, with tyrosine, which is neutral and polar, at codon 1105 of the MAGI2 protein (p.Asp1105Tyr). This variant is present in population databases (no rsID available, gnomAD 0.006%). This variant has not been reported in the literature in individuals affected with MAGI2-related conditions. Algorithms developed to predict the effect of missense changes on protein structure and function are either unavailable or do not agree on the potential impact of this missense change (SIFT: "Deleterious"; PolyPhen-2: "Probably Damaging"; Align-GVGD: "Class C15"). In summary, the available evidence is currently insufficient to determine the role of this variant in disease. Therefore, it has been classified as a Variant of Uncertain Significance.